The following is an entry in ClinVar:

ClinVar aggregate classification (germline): Uncertain significance (1 of 4 stars; one submission).

gnomAD v4.1: 1 of 1,613,764 alleles (0.000062%); highest among the groups gnomAD compares: Non-Finnish European, 0.000085%; no homozygotes.

Submission:

GeneDx
Classification: Uncertain significance. Last evaluated: 2026-02-09. Review status: criteria provided, single submitter. Criteria: GeneDx Variant Classification Process June 2021. Collection method: clinical testing. Allele origin: germline.
Comment: Not observed at significant frequency in large population cohorts (gnomAD); In silico analysis suggests that this missense variant does not alter protein structure/function; Has not been previously published as pathogenic or benign to our knowledge

NM_017780.4(CHD7):c.5257A>G (p.Ile1753Val)

Gene: CHD7 (chromodomain helicase DNA binding protein 7; plus strand). Cytogenetic location: 8q12.2.
Variant type: single nucleotide variant.
Coding change: c.5257A>G on transcript NM_017780.4 (MANE Select); coding-DNA position 5257, A replaced by G.
Protein change: p.Ile1753Val; replaces isoleucine 1753 with valine.
Molecular consequence: missense variant. On other transcripts: intron variant (1).
Genome position (GRCh38, 1-based): chr8:60,848,561, A>G. VCF-style: chr8-60848561-A-G. GRCh37 (hg19) VCF-style: chr8-61761120-A-G.
Other names: c.1717-13668A>G (NM_001316690.1); short protein forms I1753V.
Identifiers: ClinVar variation 4976441 (VCV004976441.1).